The following is an entry in ClinVar:

NM_015158.5(KANK1):c.485G>A (p.Arg162Gln)

Gene: KANK1 (KN motif and ankyrin repeat domains 1; plus strand). Cytogenetic location: 9p24.3.
Variant type: single nucleotide variant.
Coding change: c.485G>A on transcript NM_015158.5 (MANE Select); coding-DNA position 485, G replaced by A.
Protein change: p.Arg162Gln; replaces arginine 162 with glutamine.
Molecular consequence: missense variant. On other transcripts: non-coding transcript variant (1).
Genome position (GRCh38, 1-based): chr9:711,251, G>A. VCF-style: chr9-711251-G-A. GRCh37 (hg19) VCF-style: chr9-711251-G-A.
Other names: c.485G>A, p.Arg162Gln (NM_001256876.3, NM_001256877.3, NM_001354331.2 and 3 more transcripts); c.11G>A, p.Arg4Gln (NM_001354333.2, NM_001354335.2, NM_001354336.2 and 10 more transcripts); short protein forms R162Q, R4Q.
Identifiers: ClinVar variation 4749848 (VCV004749848.1).

ClinVar aggregate classification (germline): Uncertain significance (1 of 4 stars; one submission).

gnomAD v4.1: 9 of 1,614,070 alleles (0.00056%); highest among the groups gnomAD compares: South Asian, 0.0033%; no homozygotes.

Submission:

Labcorp Genetics (formerly Invitae), Labcorp
Classification: Uncertain significance. Last evaluated: 2025-02-26. Review status: criteria provided, single submitter. Criteria: Invitae Variant Classification Sherloc (09022015). Collection method: clinical testing. Allele origin: germline.
Comment: This sequence change replaces arginine, which is basic and polar, with glutamine, which is neutral and polar, at codon 162 of the KANK1 protein (p.Arg162Gln). This variant is present in population databases (no rsID available, gnomAD 0.01%). This variant has not been reported in the literature in individuals affected with KANK1-related conditions. Invitae Evidence Modeling of protein sequence and biophysical properties (such as structural, functional, and spatial information, amino acid conservation, physicochemical variation, residue mobility, and thermodynamic stability) has been performed for this missense variant. However, the output from this modeling did not meet the statistical confidence thresholds required to predict the impact of this variant on KANK1 protein function. In summary, the available evidence is currently insufficient to determine the role of this variant in disease. Therefore, it has been classified as a Variant of Uncertain Significance.